The following is an entry in ClinVar:

ClinVar aggregate classification (germline): Likely pathogenic (1 of 4 stars; one submission).

Conditions:
Arthrogryposis, distal, type 1A. Also called: ARTHROGRYPOSIS MULTIPLEX CONGENITA, DISTAL, TYPE I. Identifiers: Orphanet 1146, MedGen C6022280, MONDO:0007157, OMIM 108120.

Submission:

Labcorp Genetics (formerly Invitae), Labcorp
Classification: Likely pathogenic for Arthrogryposis, distal, type 1A. Last evaluated: 2024-12-31. Review status: criteria provided, single submitter. Criteria: Invitae Variant Classification Sherloc (09022015). Collection method: clinical testing. Allele origin: germline.
Comment: This sequence change affects an acceptor splice site in intron 6 of the TPM2 gene. It is expected to disrupt RNA splicing. Variants that disrupt the donor or acceptor splice site typically lead to a loss of protein function (PMID: 16199547), and loss-of-function variants in TPM2 are known to be pathogenic (PMID: 19155175, 27726070). This variant is not present in population databases (gnomAD no frequency). This variant has not been reported in the literature in individuals affected with TPM2-related conditions. Algorithms developed to predict the effect of sequence changes on RNA splicing suggest that this variant may disrupt the consensus splice site. In summary, the currently available evidence indicates that the variant is pathogenic, but additional data are needed to prove that conclusively. Therefore, this variant has been classified as Likely Pathogenic.

Literature cited by the submitters: PubMed 16199547; PubMed 19155175; PubMed 27726070.

NM_003289.4(TPM2):c.640-1G>A

Gene: TPM2 (tropomyosin 2; minus strand). Cytogenetic location: 9p13.3.
Variant type: single nucleotide variant.
Coding change: c.640-1G>A on transcript NM_003289.4 (MANE Select); the canonical splice acceptor site of the intron before coding-DNA position 640, G replaced by A.
Molecular consequence: splice acceptor variant.
Genome position (GRCh38, 1-based): chr9:35,684,551, C>T on the plus strand (G>A on the coding strand, the complement: TPM2 is on the minus strand). VCF-style: chr9-35684551-C-T. GRCh37 (hg19) VCF-style: chr9-35684548-C-T.
Other names: c.640-1G>A (NM_213674.1, NM_001301226.2, NM_001301227.2).
Identifiers: ClinVar variation 3667651 (VCV003667651.2).
Genomic context (GRCh38, chr9:35,684,551, plus strand): 5'-CTTCAGCTTCTCCTCCAACAGTTTGATCTCCTCTTCATATTTATCTTCTTTGGTGGAATA[C>T]TTTTGGGGACACACACACGCCATCAGTACAGCGCTACCACAGATCCTTCATTTCTCCATT-3'